The following is an entry in ClinVar:

ClinVar aggregate classification (germline): Likely benign (1 of 4 stars; one submission).

Submission:

Mayo Clinic Laboratories, Mayo Clinic
Classification: Likely benign. Last evaluated: 2025-02-10. Review status: criteria provided, single submitter. Criteria: ACMG Guidelines, 2015. Collection method: clinical testing. Allele origin: germline. Observed: 1 variant allele.
Comment: BP4, BP7

NM_005876.5(SPEG):c.7609+8G>A

Genes: ASIC4-AS1 (ASIC4 antisense RNA 1; minus strand), SPEG (striated muscle enriched protein kinase; plus strand). Cytogenetic location: 2q35.
Variant type: single nucleotide variant.
Coding change: c.7609+8G>A on transcript NM_005876.5 (MANE Select); 8 bases into the intron after coding-DNA position 7609, G replaced by A.
Molecular consequence: intron variant.
Genome position (GRCh38, 1-based): chr2:219,485,080, G>A. VCF-style: chr2-219485080-G-A. GRCh37 (hg19) VCF-style: chr2-220349802-G-A.
Other names: p.?.
Identifiers: ClinVar variation 4684650 (VCV004684650.1).